The following is an entry in ClinVar:

NM_003738.5(PTCH2):c.106C>G (p.Leu36Val)

Gene: PTCH2 (patched 2; minus strand). Cytogenetic location: 1p34.1.
Variant type: single nucleotide variant.
Coding change: c.106C>G on transcript NM_003738.5 (MANE Select); coding-DNA position 106, C replaced by G.
Protein change: p.Leu36Val; replaces leucine 36 with valine.
Molecular consequence: missense variant.
Genome position (GRCh38, 1-based): chr1:44,842,006, G>C on the plus strand (C>G on the coding strand, the complement: PTCH2 is on the minus strand). VCF-style: chr1-44842006-G-C. GRCh37 (hg19) VCF-style: chr1-45307678-G-C.
Other names: c.106C>G, p.Leu36Val (NM_001166292.2); short protein forms L36V.
Identifiers: ClinVar variation 1349749 (VCV001349749.8), dbSNP rs2148886480, ClinGen allele CA340110967.
Genomic context (GRCh38, chr1:44,842,006, plus strand): 5'-CACAATGTCTCTGGATCCCGCATCCCAGAGAGAAGAGCAGGCCCTGGAAGTAAGCACGAA[G>C]CCAGAGTGGAGCCTTCAGGCTCCCAGCTAGGATCTGGGATGGAAAGAGAAGGGTCAGCCA-3'
Protein context (NP_003729.3, residues 26-46): LAGSLKAPLW[Leu36Val]RAYFQGLLFS

ClinVar aggregate classification (germline): Uncertain significance (1 of 4 stars; one submission).

Conditions:
Gorlin syndrome. Also called: Basal cell nevus syndrome; Nevoid Basal Cell Carcinoma Syndrome. Identifiers: Orphanet 377, MedGen C0004779, MONDO:0007187.

Submission:

Labcorp Genetics (formerly Invitae), Labcorp
Classification: Uncertain significance for Gorlin syndrome. Last evaluated: 2021-04-28. Review status: criteria provided, single submitter. Criteria: Invitae Variant Classification Sherloc (09022015). Collection method: clinical testing. Allele origin: germline.
Comment: This sequence change replaces leucine with valine at codon 36 of the PTCH2 protein (p.Leu36Val). The leucine residue is moderately conserved and there is a small physicochemical difference between leucine and valine. This variant is not present in population databases (ExAC no frequency). This variant has not been reported in the literature in individuals with PTCH2-related conditions. Algorithms developed to predict the effect of missense changes on protein structure and function (SIFT, PolyPhen-2, Align-GVGD) all suggest that this variant is likely to be tolerated, but these predictions have not been confirmed by published functional studies and their clinical significance is uncertain. Algorithms developed to predict the effect of sequence changes on RNA splicing suggest that this variant may create or strengthen a splice site, but this prediction has not been confirmed by published transcriptional studies. In summary, the available evidence is currently insufficient to determine the role of this variant in disease. Therefore, it has been classified as a Variant of Uncertain Significance.